The following is an entry in ClinVar:

ClinVar aggregate classification (germline): Uncertain significance (1 of 4 stars; one submission).

Conditions:
Inborn genetic diseases. Identifiers: MedGen C0950123, MeSH D030342.

gnomAD v4.1: 1 of 1,613,958 alleles (0.000062%); highest among the groups gnomAD compares: Non-Finnish European, 0.000085%; no homozygotes.

Submission:

Ambry Genetics
Classification: Uncertain significance for Inborn genetic diseases. Last evaluated: 2025-10-30. Review status: criteria provided, single submitter. Criteria: Ambry Variant Classification Scheme 2023. Collection method: clinical testing. Allele origin: germline.
Comment: The p.S470N variant (also known as c.1409G>A), located in coding exon 10 of the BMPR2 gene, results from a G to A substitution at nucleotide position 1409. The serine at codon 470 is replaced by asparagine, an amino acid with highly similar properties. This amino acid position is conserved. In addition, this alteration is predicted to be tolerated by in silico analysis. Based on the available evidence, the clinical significance of this variant remains unclear.

NM_001204.7(BMPR2):c.1409G>A (p.Ser470Asn)

Gene: BMPR2 (bone morphogenetic protein receptor type 2; plus strand). Cytogenetic location: 2q33.2.
Variant type: single nucleotide variant.
Coding change: c.1409G>A on transcript NM_001204.7 (MANE Select); coding-DNA position 1409, G replaced by A.
Protein change: p.Ser470Asn; replaces serine 470 with asparagine.
Molecular consequence: missense variant.
Genome position (GRCh38, 1-based): chr2:202,542,443, G>A. VCF-style: chr2-202542443-G-A. GRCh37 (hg19) VCF-style: chr2-203407166-G-A.
Other names: short protein forms S470N.
Identifiers: ClinVar variation 4597567 (VCV004597567.1).
Genomic context (GRCh38, chr2:202,542,443, plus strand): 5'-AGGTTCTCGTGTCTAGGGAAAAACAGAGACCCAAGTTCCCAGAAGCCTGGAAAGAAAATA[G>A]CCTGGTAAGAAAAAACTAAGTTATTAAAGAGAGGACTTATGACTGAATATGTTTTAATGT-3'
Protein context (NP_001195.2, residues 460-480): PKFPEAWKEN[Ser470Asn]LAVRSLKETI